The following is an entry in ClinVar:

ClinVar aggregate classification (germline): Uncertain significance (1 of 4 stars; one submission).

Conditions:
Immunodeficiency, common variable, 10. Also called: IMMUNODEFICIENCY, COMMON VARIABLE, WITH CENTRAL ADRENAL INSUFFICIENCY; DEFICIT IN ANTERIOR PITUITARY FUNCTION AND VARIABLE IMMUNODEFICIENCY. Identifiers: MedGen C3809991, MONDO:0014260, OMIM 615577.

Allele frequency attached by ClinVar (database versions not stated): TOPMed below 0.00001.
gnomAD v4.1: 8 of 1,613,756 alleles (0.0005%); highest among the groups gnomAD compares: Admixed American, 0.012%; 1 homozygote.

Submission:

Labcorp Genetics (formerly Invitae), Labcorp
Classification: Uncertain significance for Immunodeficiency, common variable, 10. Last evaluated: 2023-08-04. Review status: criteria provided, single submitter. Criteria: Invitae Variant Classification Sherloc (09022015). Collection method: clinical testing. Allele origin: germline.
Comment: In summary, the available evidence is currently insufficient to determine the role of this variant in disease. Therefore, it has been classified as a Variant of Uncertain Significance. An algorithm developed to predict the effect of missense changes on protein structure and function (PolyPhen-2) suggests that this variant is likely to be tolerated. ClinVar contains an entry for this variant (Variation ID: 1988506). This variant has not been reported in the literature in individuals affected with NFKB2-related conditions. This variant is present in population databases (no rsID available, gnomAD 0.02%). This sequence change replaces aspartic acid, which is acidic and polar, with asparagine, which is neutral and polar, at codon 561 of the NFKB2 protein (p.Asp561Asn).

NM_001322934.2(NFKB2):c.1681G>A (p.Asp561Asn)

Gene: NFKB2 (nuclear factor kappa B subunit 2; plus strand). Cytogenetic location: 10q24.32.
Variant type: single nucleotide variant.
Coding change: c.1681G>A on transcript NM_001322934.2 (MANE Select); coding-DNA position 1681, G replaced by A.
Protein change: p.Asp561Asn; replaces aspartic acid 561 with asparagine.
Molecular consequence: missense variant.
Genome position (GRCh38, 1-based): chr10:102,400,374, G>A. VCF-style: chr10-102400374-G-A. GRCh37 (hg19) VCF-style: chr10-104160131-G-A.
Other names: c.1681G>A, p.Asp561Asn (NM_001077493.1, NM_001077494.3, NM_001261403.3 and 2 more transcripts); c.1555G>A, p.Asp519Asn (NM_001322935.1); short protein forms D519N, D561N.
Identifiers: ClinVar variation 1988506 (VCV001988506.4), dbSNP rs1363062258, ClinGen allele CA377901865.